The following is an entry in ClinVar:

ClinVar aggregate classification (germline): Uncertain significance. Review status: criteria provided, multiple submitters, no conflicts (2 of 4 stars). 3 submissions from 3 submitters: Uncertain significance (3). Last evaluated 2025-05-07.

Conditions:
Inborn genetic diseases. Identifiers: MedGen C0950123, MeSH D030342.

Allele frequency attached by ClinVar (database versions not stated): gnomAD exomes 0.00003; ExAC 0.00004; TOPMed 0.00005; gnomAD 0.00008 and 0.00009.
gnomAD v4.1: 53 of 1,613,874 alleles (0.0033%); highest among the groups gnomAD compares: Admixed American, 0.0083%; 1 homozygote.

Submissions (3):

Ambry Genetics
Classification: Uncertain significance for Inborn genetic diseases. Last evaluated: 2025-05-07. Review status: criteria provided, single submitter. Criteria: Ambry Variant Classification Scheme 2023. Collection method: clinical testing. Allele origin: germline.

Blueprint Genetics
Classification: Uncertain significance. Last evaluated: 2023-10-18. Review status: criteria provided, single submitter. Criteria: ACMG Guidelines, 2015. Collection method: clinical testing. Allele origin: germline.

GeneDx
Classification: Uncertain significance. Last evaluated: 2017-10-17. Review status: criteria provided, single submitter. Criteria: GeneDx Variant Classification (06012015). Collection method: clinical testing. Allele origin: germline. Affected: yes.
Comment: The E2184A variant in the HERC2 gene has not been reported previously as a pathogenic variant, nor as a benign variant, to our knowledge. The E2184A variant is observed in 2/34418 (0.0058%) alleles from individuals of Latino background, in the ExAC dataset (Lek et al., 2016). The E2184A variant is a non-conservative amino acid substitution, which is likely to impact secondary protein structure as these residues differ in polarity, charge, size and/or other properties. This substitution occurs at a position that is not conserved. In silico analysis is inconsistent in its predictions as to whether or not the variant is damaging to the protein structure/function. We interpret E2184A as a variant of uncertain significance.

NM_004667.6(HERC2):c.6551A>C (p.Glu2184Ala)

Gene: HERC2 (HECT and RLD domain containing E3 ubiquitin protein ligase 2; minus strand). Cytogenetic location: 15q13.1.
Variant type: single nucleotide variant.
Coding change: c.6551A>C on transcript NM_004667.6 (MANE Select); coding-DNA position 6551, A replaced by C.
Protein change: p.Glu2184Ala; replaces glutamic acid 2184 with alanine.
Molecular consequence: missense variant.
Genome position (GRCh38, 1-based): chr15:28,214,080, T>G on the plus strand (A>C on the coding strand, the complement: HERC2 is on the minus strand). VCF-style: chr15-28214080-T-G. GRCh37 (hg19) VCF-style: chr15-28459226-T-G.
Other names: c.6551A>C (NM_004667.4); short protein forms E2184A.
Identifiers: ClinVar variation 452898 (VCV000452898.4), dbSNP rs759112915, ClinGen allele CA7442022.